The following is an entry in ClinVar:

NM_001166108.2(PALLD):c.1282C>T (p.Leu428Phe)

Gene: PALLD (palladin, cytoskeletal associated protein; plus strand). Cytogenetic location: 4q32.3.
Variant type: single nucleotide variant.
Coding change: c.1282C>T on transcript NM_001166108.2 (MANE Select); coding-DNA position 1282, C replaced by T.
Protein change: p.Leu428Phe; replaces leucine 428 with phenylalanine.
Molecular consequence: missense variant.
Genome position (GRCh38, 1-based): chr4:168,685,506, C>T. VCF-style: chr4-168685506-C-T. GRCh37 (hg19) VCF-style: chr4-169606657-C-T.
Other names: c.136C>T, p.Leu46Phe (NM_001166109.2); c.1282C>T, p.Leu428Phe (NM_016081.4); short protein forms L428F, L46F.
Identifiers: ClinVar variation 3304034 (VCV003304034.1).

ClinVar aggregate classification (germline): Uncertain significance (1 of 4 stars; one submission).

gnomAD v4.1: 1 of 1,612,050 alleles (0.000062%); highest among the groups gnomAD compares: Non-Finnish European, 0.000085%; no homozygotes.

Submission:

Ambry Genetics
Classification: Uncertain significance. Last evaluated: 2024-06-09. Review status: criteria provided, single submitter. Criteria: Ambry Variant Classification Scheme 2023. Collection method: clinical testing. Allele origin: germline.
Comment: The p.L428F variant (also known as c.1282C>T), located in coding exon 5 of the PALLD gene, results from a C to T substitution at nucleotide position 1282. The leucine at codon 428 is replaced by phenylalanine, an amino acid with highly similar properties. This amino acid position is conserved. In addition, this alteration is predicted to be deleterious by in silico analysis. Based on the available evidence, the clinical significance of this variant remains unclear.